The following is an entry in ClinVar:

NM_004628.5(XPC):c.2485dup (p.Gln829fs)

Gene: XPC (XPC complex subunit, DNA damage recognition and repair factor; minus strand). Cytogenetic location: 3p25.1.
Variant type: Duplication.
Coding change: c.2485dup on transcript NM_004628.5 (MANE Select); coding-DNA position 2485, one base duplicated (C; older notation c.2485dupC).
Protein change: p.Gln829fs; shifts the reading frame from glutamine 829.
Molecular consequence: frameshift variant. On other transcripts: non-coding transcript variant (2).
Genome position (GRCh38, 1-based): chr3:14,147,937, G duplicated on the plus strand (C on the coding strand, the reverse complement: XPC is on the minus strand). VCF-style (leftmost placement, unchanged base first): chr3-14147936-T-TG. GRCh37 (hg19) VCF-style: chr3-14189436-T-TG.
Other names: c.1906dup, p.Gln636fs (NM_001354726.2); c.2479dup, p.Gln827fs (NM_001354727.2); c.2467dup, p.Gln823fs (NM_001354729.2); c.2239dup, p.Gln747fs (NM_001354730.2); short protein forms Q636fs, Q747fs, Q823fs, Q827fs, Q829fs.
Identifiers: ClinVar variation 4076332 (VCV004076332.1).

ClinVar aggregate classification (germline): Likely pathogenic (1 of 4 stars; one submission).

Conditions:
Xeroderma pigmentosum, group C (XPC). Also called: Xeroderma pigmentosum, complementation group C; XPC-Related Xeroderma Pigmentosum; XERODERMA PIGMENTOSUM III; XP, GROUP C. Identifiers: Orphanet 910, MedGen C2752147, MONDO:0010211, OMIM 278720.

Submission:

Laboratorio de Genetica e Diagnostico Molecular, Hospital Israelita Albert Einstein
Classification: Likely pathogenic for Xeroderma pigmentosum, group C. Last evaluated: 2024-03-08. Review status: criteria provided, single submitter. Criteria: ACMG Guidelines, 2015. Collection method: clinical testing. Allele origin: germline. Affected: yes.
Comment: ACMG classification criteria: PVS1 very strong, PM2 supporting